The following is an entry in ClinVar:

ClinVar aggregate classification (germline): Conflicting classifications of pathogenicity. Review status: criteria provided, conflicting classifications (1 of 4 stars). 2 submissions from 2 submitters: Likely pathogenic (1); Uncertain significance (1). Last evaluated 2022-03-10.

Conditions:
Myopathy, centronuclear, 2 (CNM2). Also called: MYOTUBULAR MYOPATHY, AUTOSOMAL RECESSIVE. Identifiers: Orphanet 169186, MedGen CN031787, MONDO:0009709, OMIM 255200.

Allele frequency attached by ClinVar (database versions not stated): TOPMed below 0.00001.

Submissions (2):

Labcorp Genetics (formerly Invitae), Labcorp
Classification: Uncertain significance for Myopathy, centronuclear, 2. Last evaluated: 2022-03-10. Review status: criteria provided, single submitter. Criteria: Invitae Variant Classification Sherloc (09022015). Collection method: clinical testing. Allele origin: germline.
Comment: In summary, the available evidence is currently insufficient to determine the role of this variant in disease. Therefore, it has been classified as a Variant of Uncertain Significance. Algorithms developed to predict the effect of sequence changes on RNA splicing suggest that this variant may disrupt the consensus splice site. This variant has not been reported in the literature in individuals affected with BIN1-related conditions. This variant is not present in population databases (gnomAD no frequency). This sequence change affects an acceptor splice site in intron 15 of the BIN1 gene. It is expected to disrupt RNA splicing. Variants that disrupt the donor or acceptor splice site typically lead to a loss of protein function (PMID: 16199547), however the current clinical and genetic evidence is not sufficient to establish whether loss-of-function variants in BIN1 cause disease.

Laboratorio de Genetica e Diagnostico Molecular, Hospital Israelita Albert Einstein
Classification: Likely pathogenic. Last evaluated: 2019-12-16. Review status: criteria provided, single submitter. Criteria: ACMG Guidelines, 2015. Collection method: clinical testing. Allele origin: germline. Affected: yes.
Comment: ACMG classification criteria: PVS1, PM2

Literature cited by the submitters: PubMed 16199547 (cited by Labcorp Genetics (formerly Invitae), Labcorp).

NM_139343.3(BIN1):c.1372-1G>A

Gene: BIN1 (bridging integrator 1; minus strand). Cytogenetic location: 2q14.3.
Variant type: single nucleotide variant.
Coding change: c.1372-1G>A on transcript NM_139343.3 (MANE Select); the canonical splice acceptor site of the intron before coding-DNA position 1372, G replaced by A.
Molecular consequence: splice acceptor variant. On other transcripts: intron variant (3).
Genome position (GRCh38, 1-based): chr2:127,051,244, C>T on the plus strand (G>A on the coding strand, the complement: BIN1 is on the minus strand). VCF-style: chr2-127051244-C-T. GRCh37 (hg19) VCF-style: chr2-127808820-C-T.
Other names: c.1291-1G>A (NM_001320642.1); c.838-332G>A (NM_001320634.1); c.910-332G>A (NM_139351.3); c.910-1G>A (NM_139350.3); c.1018-1G>A (NM_139349.3); c.1039-1G>A (NM_139348.3); c.1147-1G>A (NM_139347.3); c.1279-1G>A (NM_001320641.2); and 7 more.
Identifiers: ClinVar variation 1690750 (VCV001690750.7), dbSNP rs1682909859, ClinGen allele CA348375671.